The following is an entry in ClinVar:

ClinVar aggregate classification (germline): Pathogenic/Likely pathogenic. Review status: criteria provided, multiple submitters, no conflicts (2 of 4 stars). 5 submissions from 5 submitters: Pathogenic (3); Likely pathogenic (2). Last evaluated 2026-04-14.

Conditions:
Oculocutaneous albinism type 1. Also called: Albinism 1; ALBINISM I. Identifiers: Orphanet 352731, MedGen C0268494, MONDO:0018135. Disease mechanism: loss of function.
Oculocutaneous albinism type 1A (OCA1A). Also called: Albinism, oculocutaneous, type IA. Identifiers: Orphanet 352731, Orphanet 79431, MedGen C4551504, MONDO:0008745, OMIM 203100. Disease mechanism: loss of function.
SKIN/HAIR/EYE PIGMENTATION 3, LIGHT/DARK SKIN (SHEP3). Also called: SKIN/HAIR/EYE PIGMENTATION, VARIATION IN, 3; EYE COLOR 1; EYE COLOR, GREEN/BLUE; SKIN/HAIR/EYE PIGMENTATION 3, BLUE/GREEN EYE COLOR; SKIN/HAIR/EYE PIGMENTATION 3, FRECKLING. Identifiers: MedGen C2677190, OMIM 601800.
Oculocutaneous albinism type 1B (OCA1B). Also called: ALBINISM, OCULOCUTANEOUS, TYPE IB; ALBINISM, YELLOW MUTANT TYPE; YELLOW ALBINISM. Identifiers: Orphanet 352731, Orphanet 352737, Orphanet 79434, MedGen C1847024, MONDO:0011749, OMIM 606952.

Submissions (5):

Myriad Genetics, Inc.
Classification: Pathogenic for Oculocutaneous albinism type 1. Last evaluated: 2026-04-14. Review status: criteria provided, single submitter. Criteria: Myriad Autosomal Dominant, Autosomal Recessive and X-Linked Classification Criteria (2023). Collection method: clinical testing. Allele origin: unknown.
Comment: NM_000372.4(TYR):c.1456delG(A486Pfs*11) is a frameshift variant classified as pathogenic in the context of oculocutaneous albinism, TYR-related. A486Pfs*11 has been observed in a case with relevant disease (PMID: 32411182). Relevant functional assessments of this variant are not available in the literature. A486Pfs*11 has not been observed in referenced population frequency databases. In summary, NM_000372.4(TYR):c.1456delG(A486Pfs*11) is a frameshift variant in a gene where loss of function is a known mechanism of disease, is predicted to disrupt protein function, and has been observed more frequently in cases with the relevant disease than in healthy populations. Please note: this variant was assessed in the context of healthy population screening.

GeneDx
Classification: Likely pathogenic. Last evaluated: 2024-10-23. Review status: criteria provided, single submitter. Criteria: GeneDx Variant Classification Process June 2021. Collection method: clinical testing. Allele origin: germline. Affected: yes.
Comment: Frameshift variant predicted to result in abnormal protein length as the last 44 amino acid(s) are replaced with 10 different amino acid(s), and other similar variants have been reported in HGMD; Not observed at significant frequency in large population cohorts (gnomAD); This variant is associated with the following publications: (PMID: 32411182)

Fulgent Genetics
Classification: Likely pathogenic for Oculocutaneous albinism type 1A; SKIN/HAIR/EYE PIGMENTATION 3, LIGHT/DARK SKIN; Oculocutaneous albinism type 1B. Last evaluated: 2024-03-29. Review status: criteria provided, single submitter. Criteria: ACMG Guidelines, 2015. Collection method: clinical testing. Allele origin: germline.

Genome-Nilou Lab
Classification: Pathogenic for Oculocutaneous albinism type 1A. Last evaluated: 2021-07-22. Review status: criteria provided, single submitter. Criteria: ACMG Guidelines, 2015. Collection method: clinical testing. Allele origin: germline. Affected: no.

Pele Pequeno Principe Research Institute, Faculdades Pequeno Principe
Classification: Pathogenic for Oculocutaneous albinism type 1A. Last evaluated: 2019-06-28. Review status: criteria provided, single submitter. Criteria: ACMG Guidelines, 2015. Collection method: research. Allele origin: germline. Inheritance: Autosomal recessive inheritance. Affected: yes. Observed: 1 homozygote.
Comment: The NM_000372.5:c.1456delG variant has not been previously described in the literature and in our study. The c.1456delG variant meets our criteria to be classified as pathogenic according to ACMG Guidelines, 2015.

Literature cited by the submitters: PubMed 32411182 (cited by Myriad Genetics, Inc.).

NM_000372.5(TYR):c.1456del (p.Ala486fs)

Gene: TYR (tyrosinase; plus strand). Cytogenetic location: 11q14.3.
Variant type: Deletion.
Coding change: c.1456del on transcript NM_000372.5 (MANE Select); coding-DNA position 1456, one base deleted (G; older notation c.1456delG).
Protein change: p.Ala486fs; shifts the reading frame from alanine 486.
Molecular consequence: frameshift variant.
Genome position (GRCh38, 1-based): chr11:89,295,232, G deleted; the last of 4 consecutive G bases (chr11:89,295,229-89,295,232); deleting any one gives the same sequence. VCF-style (leftmost placement, unchanged base first): chr11-89295228-AG-A. GRCh37 (hg19) VCF-style: chr11-89028396-AG-A.
Other names: c.1456del (NM_000372.4); c.1456delG (NM_000372.5); short protein forms A486fs.
Identifiers: ClinVar variation 637017 (VCV000637017.9), dbSNP rs1590909462, ClinGen allele CA915948258.